The following is an entry in ClinVar:

NM_003888.4(ALDH1A2):c.833G>A (p.Ser278Asn)

Gene: ALDH1A2 (aldehyde dehydrogenase 1 family member A2; minus strand). Cytogenetic location: 15q21.3.
Variant type: single nucleotide variant.
Coding change: c.833G>A on transcript NM_003888.4 (MANE Select); coding-DNA position 833, G replaced by A.
Protein change: p.Ser278Asn; replaces serine 278 with asparagine.
Molecular consequence: missense variant.
Genome position (GRCh38, 1-based): chr15:57,965,793, C>T on the plus strand (G>A on the coding strand, the complement: ALDH1A2 is on the minus strand). VCF-style: chr15-57965793-C-T. GRCh37 (hg19) VCF-style: chr15-58257991-C-T.
Other names: c.770G>A, p.Ser257Asn (NM_001206897.2); c.719G>A, p.Ser240Asn (NM_170696.3); c.545G>A, p.Ser182Asn (NM_170697.3); short protein forms S182N, S240N, S257N, S278N.
Identifiers: ClinVar variation 3235243 (VCV003235243.1), dbSNP rs201056912.

ClinVar aggregate classification (germline): Uncertain significance (1 of 4 stars; one submission).

Conditions:
Diaphragmatic hernia 4, with cardiovascular defects (DIH4). Identifiers: MedGen C5774210, MONDO:0859571, OMIM 620025.

Submission:

MVZ Medizinische Genetik Mainz
Classification: Uncertain significance for Diaphragmatic hernia 4, with cardiovascular defects. Last evaluated: 2023-06-14. Review status: criteria provided, single submitter. Criteria: UK Practice Guidelines For Variant Classification V4 01 2020. Collection method: clinical testing. Allele origin: germline. Inheritance: Autosomal recessive inheritance. Affected: yes. Observed: 1 variant allele.
Comment: ACMG Criteria: PM2_SUP